The following is an entry in ClinVar:

NM_025137.4(SPG11):c.640T>C (p.Phe214Leu)

Gene: SPG11 (SPG11 vesicle trafficking associated, spatacsin; minus strand). Cytogenetic location: 15q21.1.
Variant type: single nucleotide variant.
Coding change: c.640T>C on transcript NM_025137.4 (MANE Select); coding-DNA position 640, T replaced by C.
Protein change: p.Phe214Leu; replaces phenylalanine 214 with leucine.
Molecular consequence: missense variant.
Genome position (GRCh38, 1-based): chr15:44,659,106, A>G on the plus strand (T>C on the coding strand, the complement: SPG11 is on the minus strand). VCF-style: chr15-44659106-A-G. GRCh37 (hg19) VCF-style: chr15-44951304-A-G.
Other names: c.640T>C, p.Phe214Leu (NM_001160227.2, NM_001411132.1); short protein forms F214L.
Identifiers: ClinVar variation 3370177 (VCV003370177.1).

ClinVar aggregate classification (germline): Uncertain significance (1 of 4 stars; one submission).

Submission:

GeneDx
Classification: Uncertain significance. Last evaluated: 2024-01-02. Review status: criteria provided, single submitter. Criteria: GeneDx Variant Classification Process June 2021. Collection method: clinical testing. Allele origin: germline. Affected: yes.
Comment: Not observed at significant frequency in large population cohorts (gnomAD); In silico analysis supports that this missense variant has a deleterious effect on protein structure/function; Has not been previously published as pathogenic or benign to our knowledge; This variant is associated with the following publications: (PMID: 26556829)